The following is an entry in ClinVar:

NM_024757.5(EHMT1):c.2380del (p.Gln794fs)

Gene: EHMT1 (euchromatic histone lysine methyltransferase 1; plus strand). Cytogenetic location: 9q34.3.
Variant type: Deletion.
Coding change: c.2380del on transcript NM_024757.5 (MANE Select); coding-DNA position 2380, one base deleted (C; older notation c.2380delC).
Protein change: p.Gln794fs; shifts the reading frame from glutamine 794.
Molecular consequence: frameshift variant.
Genome position (GRCh38, 1-based): chr9:137,782,395, C deleted. VCF-style (leftmost placement, unchanged base first): chr9-137782394-TC-T. GRCh37 (hg19) VCF-style: chr9-140676846-TC-T.
Other names: c.2380del, p.Gln794fs (NM_001145527.2); c.2287del, p.Gln763fs (NM_001354259.2); c.2359del, p.Gln787fs (NM_001354263.2); short protein forms Q763fs, Q787fs, Q794fs.
Identifiers: ClinVar variation 3236869 (VCV003236869.1).

ClinVar aggregate classification (germline): Pathogenic (1 of 4 stars; one submission).

Conditions:
Kleefstra syndrome 1 (KLEFS1). Identifiers: Orphanet 261494, MedGen C0795833, MONDO:0027407, OMIM 610253.

Submission:

Laboratory of Genetics, Children's Clinical University Hospital Latvia
Classification: Pathogenic for Kleefstra syndrome 1. Review status: criteria provided, single submitter. Criteria: ACMG Guidelines, 2015. Collection method: curation. Allele origin: de novo. Affected: yes.
Comment: de novo

Literature cited by the submitters: PubMed 39013458.